The following is an entry in ClinVar:

NM_001286577.2(C2CD3):c.4278dup (p.Asn1427fs)

Gene: C2CD3 (C2 domain containing 3 centriole elongation regulator; minus strand). Cytogenetic location: 11q13.4.
Variant type: Duplication.
Coding change: c.4278dup on transcript NM_001286577.2 (MANE Select); coding-DNA position 4278, one base duplicated (C; older notation c.4278dupC).
Protein change: p.Asn1427fs; shifts the reading frame from asparagine 1427.
Molecular consequence: frameshift variant.
Genome position (GRCh38, 1-based): chr11:74,078,440, G duplicated on the plus strand (C on the coding strand, the reverse complement: C2CD3 is on the minus strand). VCF-style (leftmost placement, unchanged base first): chr11-74078439-T-TG. GRCh37 (hg19) VCF-style: chr11-73789484-T-TG.
Other names: c.4278dup, p.Asn1427fs (NM_015531.6); short protein forms N1427fs.
Identifiers: ClinVar variation 2028489 (VCV002028489.4), dbSNP rs984178014, ClinGen allele CA224496585.

ClinVar aggregate classification (germline): Pathogenic (1 of 4 stars; one submission).

Allele frequency attached by ClinVar (database versions not stated): TOPMed below 0.00001.

Submission:

Labcorp Genetics (formerly Invitae), Labcorp
Classification: Pathogenic. Last evaluated: 2022-09-01. Review status: criteria provided, single submitter. Criteria: Invitae Variant Classification Sherloc (09022015). Collection method: clinical testing. Allele origin: germline.
Comment: For these reasons, this variant has been classified as Pathogenic. This variant has not been reported in the literature in individuals affected with C2CD3-related conditions. This variant is not present in population databases (gnomAD no frequency). This sequence change creates a premature translational stop signal (p.Asn1427Glnfs*5) in the C2CD3 gene. It is expected to result in an absent or disrupted protein product. Loss-of-function variants in C2CD3 are known to be pathogenic (PMID: 24997988, 26477546).

Literature cited by the submitters: PubMed 24997988; PubMed 26477546.